The following is an entry in ClinVar:

NM_017780.4(CHD7):c.3433T>C (p.Phe1145Leu)

Gene: CHD7 (chromodomain helicase DNA binding protein 7; plus strand). Cytogenetic location: 8q12.2.
Variant type: single nucleotide variant.
Coding change: c.3433T>C on transcript NM_017780.4 (MANE Select); coding-DNA position 3433, T replaced by C.
Protein change: p.Phe1145Leu; replaces phenylalanine 1145 with leucine.
Molecular consequence: missense variant. On other transcripts: intron variant (1).
Genome position (GRCh38, 1-based): chr8:60,828,717, T>C. VCF-style: chr8-60828717-T-C. GRCh37 (hg19) VCF-style: chr8-61741276-T-C.
Other names: c.1717-33512T>C (NM_001316690.1); c.3433T>C (LRG_176t1); short protein forms F1145L.
Identifiers: ClinVar variation 430331 (VCV000430331.2), dbSNP rs1131691908, ClinGen allele CA371314227.

ClinVar aggregate classification (germline): Uncertain significance (1 of 4 stars; one submission).

Submission:

GeneDx
Classification: Uncertain significance. Last evaluated: 2017-05-23. Review status: criteria provided, single submitter. Criteria: GeneDx Variant Classification (06012015). Collection method: clinical testing. Allele origin: germline. Affected: yes.
Comment: A variant of uncertain significance has been identified in the CHD7 gene. The F1145L variant has not been published as a pathogenic variant, nor has it been reported as a benign variant to our knowledge. The F1145L variant is not observed in large population cohorts (Lek et al., 2016; 1000 Genomes Consortium et al., 2015; Exome Variant Server). The F1145L variant is a conservative amino acid substitution, which is not likely to impact secondary protein structure as these residues share similar properties. However, this substitution occurs at a position that is conserved across species, and in silico analysis predicts this variant is probably damaging to the protein structure/function. Therefore, based on the currently available information, it is unclear whether this variant is a pathogenic variant or a rare benign variant.